The following is an entry in ClinVar:

ClinVar aggregate classification (germline): Uncertain significance (1 of 4 stars; one submission).

Conditions:
Combined immunodeficiency due to LRBA deficiency. Also called: Common variable immunodeficiency 8, with autoimmunity. Identifiers: Orphanet 445018, MedGen C3553512, MONDO:0013863, OMIM 614700.

Submission:

Labcorp Genetics (formerly Invitae), Labcorp
Classification: Uncertain significance for Combined immunodeficiency due to LRBA deficiency. Last evaluated: 2024-07-04. Review status: criteria provided, single submitter. Criteria: Invitae Variant Classification Sherloc (09022015). Collection method: clinical testing. Allele origin: germline.
Comment: This sequence change replaces alanine, which is neutral and non-polar, with threonine, which is neutral and polar, at codon 481 of the LRBA protein (p.Ala481Thr). This variant is not present in population databases (gnomAD no frequency). This variant has not been reported in the literature in individuals affected with LRBA-related conditions. Advanced modeling of protein sequence and biophysical properties (such as structural, functional, and spatial information, amino acid conservation, physicochemical variation, residue mobility, and thermodynamic stability) performed at Invitae indicates that this missense variant is not expected to disrupt LRBA protein function with a negative predictive value of 80%. In summary, the available evidence is currently insufficient to determine the role of this variant in disease. Therefore, it has been classified as a Variant of Uncertain Significance.

NM_001364905.1(LRBA):c.1441G>A (p.Ala481Thr)

Gene: LRBA (LPS responsive beige-like anchor protein; minus strand). Cytogenetic location: 4q31.3.
Variant type: single nucleotide variant.
Coding change: c.1441G>A on transcript NM_001364905.1 (MANE Select); coding-DNA position 1441, G replaced by A.
Protein change: p.Ala481Thr; replaces alanine 481 with threonine.
Molecular consequence: missense variant.
Genome position (GRCh38, 1-based): chr4:150,908,386, C>T on the plus strand (G>A on the coding strand, the complement: LRBA is on the minus strand). VCF-style: chr4-150908386-C-T. GRCh37 (hg19) VCF-style: chr4-151829538-C-T.
Other names: c.1441G>A, p.Ala481Thr (NM_001199282.3, NM_001367550.1, NM_006726.5); short protein forms A481T.
Identifiers: ClinVar variation 3682762 (VCV003682762.2).